The following is an entry in ClinVar:

NM_004928.3(CFAP410):c.98T>C (p.Ile33Thr)

Gene: CFAP410 (cilia and flagella associated protein 410; minus strand). Cytogenetic location: 21q22.3.
Variant type: single nucleotide variant.
Coding change: c.98T>C on transcript NM_004928.3 (MANE Select); coding-DNA position 98, T replaced by C.
Protein change: p.Ile33Thr; replaces isoleucine 33 with threonine.
Molecular consequence: missense variant. On other transcripts: 5 prime UTR variant (1).
Genome position (GRCh38, 1-based): chr21:44,335,803, A>G on the plus strand (T>C on the coding strand, the complement: CFAP410 is on the minus strand). VCF-style: chr21-44335803-A-G. GRCh37 (hg19) VCF-style: chr21-45755686-A-G.
Other names: c.98T>C, p.Ile33Thr (NM_001271441.2, NM_001271440.2); c.-17T>C (NM_001271442.1); short protein forms I33T.
Identifiers: ClinVar variation 2129446 (VCV002129446.4), dbSNP rs2518062049, ClinGen allele CA410458995.

ClinVar aggregate classification (germline): Uncertain significance (1 of 4 stars; one submission).

Allele frequency attached by ClinVar (database versions not stated): gnomAD exomes below 0.00001.
gnomAD v4.1: 1 of 1,587,940 alleles (0.000063%); highest among the groups gnomAD compares: Non-Finnish European, 0.000086%; no homozygotes.

Submission:

Labcorp Genetics (formerly Invitae), Labcorp
Classification: Uncertain significance. Last evaluated: 2022-04-22. Review status: criteria provided, single submitter. Criteria: Invitae Variant Classification Sherloc (09022015). Collection method: clinical testing. Allele origin: germline.
Comment: Algorithms developed to predict the effect of missense changes on protein structure and function are either unavailable or do not agree on the potential impact of this missense change (SIFT: "Deleterious"; PolyPhen-2: "Possibly Damaging"; Align-GVGD: "Class C0"). In summary, the available evidence is currently insufficient to determine the role of this variant in disease. Therefore, it has been classified as a Variant of Uncertain Significance. This variant has not been reported in the literature in individuals affected with CFAP410-related conditions. This variant is not present in population databases (gnomAD no frequency). This sequence change replaces isoleucine, which is neutral and non-polar, with threonine, which is neutral and polar, at codon 33 of the CFAP410 protein (p.Ile33Thr).